The following is an entry in ClinVar:

NM_000445.5(PLEC):c.172C>T (p.Arg58Trp)

Gene: PLEC (plectin; minus strand). Cytogenetic location: 8q24.3.
Variant type: single nucleotide variant.
Coding change: c.172C>T on transcript NM_000445.5; coding-DNA position 172, C replaced by T.
Protein change: p.Arg58Trp; replaces arginine 58 with tryptophan.
Molecular consequence: missense variant.
Genome position (GRCh38, 1-based): chr8:143,975,198, G>A on the plus strand (C>T on the coding strand, the complement: PLEC is on the minus strand). VCF-style: chr8-143975198-G-A. GRCh37 (hg19) VCF-style: chr8-145049366-G-A.
Other names: c.172C>T, p.Arg58Trp (NM_001410941.1); short protein forms R58W.
Identifiers: ClinVar variation 2921651 (VCV002921651.3), dbSNP rs1554745623, ClinGen allele CA372491426.
Genomic context (GRCh38, chr8:143,975,198, plus strand): 5'-GTGCCAAGGAGGTGCACAGGCAAGGCCCTGCGCAGTTACCTGCGATGCGAATGACCGCCC[G>A]CTCAGCTGGGTCCAGGACACTCCCGTTGCTCCCAGCGCCACCCCCGCTGCGCCGGCTCCG-3'

ClinVar aggregate classification (germline): Uncertain significance (1 of 4 stars; one submission).

Conditions:
Epidermolysis bullosa simplex with nail dystrophy (EBS5D). Identifiers: MedGen C4225309, MONDO:0014661, OMIM 616487.
Epidermolysis bullosa simplex, Ogna type (EBS5A). Also called: Pidermolysis bullosa simplex 5A, Ogna type; EPIDERMOLYSIS BULLOSA SIMPLEX 5A, OGNA TYPE. Identifiers: Orphanet 79401, MedGen C0432317, MONDO:0007555, OMIM 131950.
Autosomal recessive limb-girdle muscular dystrophy type 2Q (LGMDR17). Also called: MUSCULAR DYSTROPHY, LIMB-GIRDLE, AUTOSOMAL RECESSIVE 17. Identifiers: Orphanet 254361, MedGen C3150989, MONDO:0013390, OMIM 613723.
Epidermolysis bullosa simplex 5B, with muscular dystrophy (EBS5B). Also called: Epidermolysis bullosa simplex with muscular dystrophy; EPIDERMOLYSIS BULLOSA SIMPLEX AND LIMB-GIRDLE MUSCULAR DYSTROPHY. Identifiers: Orphanet 257, MedGen C2931072, MONDO:0009181, OMIM 226670.
Epidermolysis bullosa simplex 5C, with pyloric atresia (EBS5C). Also called: PLEC-Related Epidermolysis Bullosa with Pyloric Atresia; Epidermolysis bullosa simplex with pyloric atresia; PLEC1-Related Epidermolysis Bullosa with Pyloric Atresia. Identifiers: Orphanet 158684, MedGen C2677349, MONDO:0012807, OMIM 612138.

Submission:

Labcorp Genetics (formerly Invitae), Labcorp
Classification: Uncertain significance for Autosomal recessive limb-girdle muscular dystrophy type 2Q; Epidermolysis bullosa simplex, Ogna type; Epidermolysis bullosa simplex with nail dystrophy; Epidermolysis bullosa simplex 5C, with pyloric atresia; Epidermolysis bullosa simplex 5B, with muscular dystrophy. Last evaluated: 2024-04-08. Review status: criteria provided, single submitter. Criteria: Invitae Variant Classification Sherloc (09022015). Collection method: clinical testing. Allele origin: germline.
Comment: This sequence change replaces arginine, which is basic and polar, with tryptophan, which is neutral and slightly polar, at codon 58 of the PLEC protein (p.Arg58Trp). This variant is not present in population databases (gnomAD no frequency). This variant has not been reported in the literature in individuals affected with PLEC-related conditions. Experimental studies and prediction algorithms are not available or were not evaluated, and the functional significance of this variant is currently unknown. In summary, the available evidence is currently insufficient to determine the role of this variant in disease. Therefore, it has been classified as a Variant of Uncertain Significance.